The following is an entry in ClinVar:

NM_032447.5(FBN3):c.3254G>A (p.Gly1085Asp)

Gene: FBN3 (fibrillin 3; minus strand). Cytogenetic location: 19p13.2.
Variant type: single nucleotide variant.
Coding change: c.3254G>A on transcript NM_032447.5 (MANE Select); coding-DNA position 3254, G replaced by A.
Protein change: p.Gly1085Asp; replaces glycine 1085 with aspartic acid.
Molecular consequence: missense variant.
Genome position (GRCh38, 1-based): chr19:8,118,980, C>T on the plus strand (G>A on the coding strand, the complement: FBN3 is on the minus strand). VCF-style: chr19-8118980-C-T. GRCh37 (hg19) VCF-style: chr19-8183864-C-T.
Other names: c.3254G>A, p.Gly1085Asp (NM_001321431.2); short protein forms G1085D.
Identifiers: ClinVar variation 4776652 (VCV004776652.1).

ClinVar aggregate classification (germline): Uncertain significance (1 of 4 stars; one submission).

gnomAD v4.1: 37 of 1,611,076 alleles (0.0023%); highest among the groups gnomAD compares: East Asian, 0.071%; no homozygotes.

Submission:

Labcorp Genetics (formerly Invitae), Labcorp
Classification: Uncertain significance. Last evaluated: 2025-03-24. Review status: criteria provided, single submitter. Criteria: Invitae Variant Classification Sherloc (09022015). Collection method: clinical testing. Allele origin: germline.
Comment: This sequence change replaces glycine, which is neutral and non-polar, with aspartic acid, which is acidic and polar, at codon 1085 of the FBN3 protein (p.Gly1085Asp). This variant is present in population databases (rs147039026, gnomAD 0.01%). This variant has not been reported in the literature in individuals affected with FBN3-related conditions. Invitae Evidence Modeling of protein sequence and biophysical properties (such as structural, functional, and spatial information, amino acid conservation, physicochemical variation, residue mobility, and thermodynamic stability) indicates that this missense variant is expected to disrupt FBN3 protein function with a positive predictive value of 80%. In summary, the available evidence is currently insufficient to determine the role of this variant in disease. Therefore, it has been classified as a Variant of Uncertain Significance.